The following is an entry in ClinVar:

NM_001080449.3(DNA2):c.869C>T (p.Thr290Ile)

Gene: DNA2 (DNA replication helicase/nuclease 2; minus strand). Cytogenetic location: 10q21.3.
Variant type: single nucleotide variant.
Coding change: c.869C>T on transcript NM_001080449.3 (MANE Select); coding-DNA position 869, C replaced by T.
Protein change: p.Thr290Ile; replaces threonine 290 with isoleucine.
Molecular consequence: missense variant. On other transcripts: non-coding transcript variant (1).
Genome position (GRCh38, 1-based): chr10:68,450,098, G>A on the plus strand (C>T on the coding strand, the complement: DNA2 is on the minus strand). VCF-style: chr10-68450098-G-A. GRCh37 (hg19) VCF-style: chr10-70209855-G-A.
Other names: short protein forms T290I.
Identifiers: ClinVar variation 2399969 (VCV002399969.4), dbSNP rs1468474205, ClinGen allele CA376863777.

ClinVar aggregate classification (germline): Uncertain significance. Review status: criteria provided, multiple submitters, no conflicts (2 of 4 stars). 2 submissions from 2 submitters: Uncertain significance (2). Last evaluated 2024-02-06.

Conditions:
Inborn genetic diseases. Identifiers: MedGen C0950123, MeSH D030342.

Allele frequency attached by ClinVar (database versions not stated): gnomAD exomes below 0.00001.
gnomAD v4.1: 2 of 1,601,258 alleles (0.00012%); highest among the groups gnomAD compares: East Asian, 0.0022%; no homozygotes.

Submissions (2):

Women's Health and Genetics/Laboratory Corporation of America, LabCorp
Classification: Uncertain significance. Last evaluated: 2024-02-06. Review status: criteria provided, single submitter. Criteria: LabCorp Variant Classification Summary - May 2015. Collection method: clinical testing. Allele origin: germline.
Comment: Variant summary: DNA2 c.869C>T (p.Thr290Ile) results in a non-conservative amino acid change in the encoded protein sequence. Four of five in-silico tools predict a benign effect of the variant on protein function. The variant allele was found at a frequency of 4.3e-06 in 232942 control chromosomes. The available data on variant occurrences in the general population are insufficient to allow any conclusion about variant significance. To our knowledge, no occurrence of c.869C>T in individuals affected with Progressive External Ophthalmoplegia With Mitochondrial DNA Deletions, Autosomal Dominant 6 and no experimental evidence demonstrating its impact on protein function have been reported. ClinVar contains an entry for this variant (Variation ID: 2399969). Based on the evidence outlined above, the variant was classified as uncertain significance.

Ambry Genetics
Classification: Uncertain significance for Inborn genetic diseases. Last evaluated: 2022-12-16. Review status: criteria provided, single submitter. Criteria: Ambry Variant Classification Scheme 2023. Collection method: clinical testing. Allele origin: germline.